The following is an entry in ClinVar:

ClinVar aggregate classification (germline): Uncertain significance. Review status: criteria provided, multiple submitters, no conflicts (2 of 4 stars). 4 submissions from 4 submitters: Uncertain significance (4). Last evaluated 2024-08-07.

Conditions:
Bone osteosarcoma. Also called: Osteosarcoma, somatic. Identifiers: Orphanet 668, MedGen C0585442, MONDO:0002629, OMIM 259500.
Familial cancer of breast. Also called: BREAST CANCER, FAMILIAL; hereditary breast carcinoma; Hereditary breast cancer. Identifiers: Orphanet 227535, MedGen C0346153, MONDO:0016419, OMIM 114480. Disease mechanism: loss of function.
Colorectal cancer. Also called: Malignant Colorectal Neoplasm; Colorectal cancer, somatic. Identifiers: MedGen C0346629, MONDO:0005575, OMIM 114500.
Prostate cancer. Also called: Malignant tumor of prostate. Identifiers: Orphanet 1331, MedGen C0376358, MONDO:0008315, HP:0012125.
CHEK2-related cancer predisposition (TPDS4). Also called: CHEK2-related cancer susceptibility; TUMOR PREDISPOSITION SYNDROME 4; CANCER PREDISPOSITION SYNDROME, CHEK2-RELATED. Identifiers: Orphanet 524, MedGen C5882668, MONDO:0700271, OMIM 609265.
Hereditary cancer-predisposing syndrome. Also called: Neoplastic Syndromes, Hereditary; Hereditary neoplastic syndrome; Tumor predisposition; Hereditary Cancer Syndrome. Identifiers: Orphanet 140162, MedGen C0027672, MeSH D009386, MONDO:0015356.

Allele frequency attached by ClinVar (database versions not stated): TOPMed below 0.00001; gnomAD 0.00001; gnomAD exomes below 0.00001.
gnomAD v4.1: 3 of 1,606,552 alleles (0.00019%); highest among the groups gnomAD compares: Non-Finnish European, 0.00026%; no homozygotes.

Submissions (4):

Labcorp Genetics (formerly Invitae), Labcorp
Classification: Uncertain significance for Familial cancer of breast. Last evaluated: 2024-08-07. Review status: criteria provided, single submitter. Criteria: Invitae Variant Classification Sherloc (09022015). Collection method: clinical testing. Allele origin: germline.
Comment: This sequence change falls in intron 10 of the CHEK2 gene. It does not directly change the encoded amino acid sequence of the CHEK2 protein. This variant is not present in population databases (gnomAD no frequency). This variant has not been reported in the literature in individuals affected with CHEK2-related conditions. ClinVar contains an entry for this variant (Variation ID: 647204). Algorithms developed to predict the effect of sequence changes on RNA splicing suggest that this variant may disrupt the consensus splice site. In summary, the available evidence is currently insufficient to determine the role of this variant in disease. Therefore, it has been classified as a Variant of Uncertain Significance.

Color Diagnostics, LLC DBA Color Health
Classification: Uncertain significance for Hereditary cancer-predisposing syndrome. Last evaluated: 2023-07-24. Review status: criteria provided, single submitter. Criteria: ACMG Guidelines, 2015. Collection method: clinical testing. Allele origin: germline.
Comment: This variant causes a T to G nucleotide substitution at the -6 position of intron 10 of the CHEK2 gene. To our knowledge, functional studies have not been reported for this variant. This variant has not been reported in individuals affected with CHEK2-related disorders in the literature. This variant has not been identified in the general population by the Genome Aggregation Database (gnomAD). The available evidence is insufficient to determine the role of this variant in disease conclusively. Therefore, this variant is classified as a Variant of Uncertain Significance.

Clinical Genetics Laboratory, Skane University Hospital Lund
Classification: Uncertain significance. Last evaluated: 2022-11-07. Review status: criteria provided, single submitter. Criteria: ACMG Guidelines, 2015. Collection method: clinical testing. Allele origin: germline. Affected: yes.

Fulgent Genetics
Classification: Uncertain significance for Familial cancer of breast; Colorectal cancer; Familial prostate cancer; Bone osteosarcoma; CHEK2-related cancer predisposition. Last evaluated: 2021-08-04. Review status: criteria provided, single submitter. Criteria: ACMG Guidelines, 2015. Collection method: clinical testing. Allele origin: unknown.

NM_007194.4(CHEK2):c.1096-6T>G

Gene: CHEK2 (checkpoint kinase 2; minus strand). Cytogenetic location: 22q12.1.
Variant type: single nucleotide variant.
Coding change: c.1096-6T>G on transcript NM_007194.4 (MANE Select); 6 bases into the intron before coding-DNA position 1096, T replaced by G.
Molecular consequence: intron variant.
Genome position (GRCh38, 1-based): chr22:28,695,879, A>C on the plus strand (T>G on the coding strand, the complement: CHEK2 is on the minus strand). VCF-style: chr22-28695879-A-C. GRCh37 (hg19) VCF-style: chr22-29091867-A-C.
Other names: c.433-6T>G (NM_001437942.1, NM_001257387.3); c.895-6T>G (NM_001349956.3); c.1009-6T>G (NM_145862.3); c.1102-6T>G (NM_001438295.1); c.1189-6T>G (NM_001438293.1); c.1138-6T>G (NM_001438294.1); c.1225-6T>G (NM_001005735.3).
Identifiers: ClinVar variation 647204 (VCV000647204.12), dbSNP rs1180195480, ClinGen allele CA752166947.